The following is an entry in ClinVar:

ClinVar aggregate classification (germline): Pathogenic (1 of 4 stars; one submission).

Conditions:
Diffuse cerebral and cerebellar atrophy - intractable seizures - progressive microcephaly syndrome. Also called: Microcephaly, progressive, with seizures and cerebral and cerebellar atrophy. Identifiers: Orphanet 404437, MedGen C4014239, MONDO:0014335, OMIM 615760.

Submission:

Labcorp Genetics (formerly Invitae), Labcorp
Classification: Pathogenic for Diffuse cerebral and cerebellar atrophy - intractable seizures - progressive microcephaly syndrome. Last evaluated: 2022-01-26. Review status: criteria provided, single submitter. Criteria: Invitae Variant Classification Sherloc (09022015). Collection method: clinical testing. Allele origin: germline.
Comment: This sequence change creates a premature translational stop signal (p.Thr118Profs*32) in the QARS gene. It is expected to result in an absent or disrupted protein product. Loss-of-function variants in QARS are known to be pathogenic (PMID: 24656866, 25471517). For these reasons, this variant has been classified as Pathogenic. This variant has not been reported in the literature in individuals affected with QARS-related conditions. This variant is not present in population databases (gnomAD no frequency).

Literature cited by the submitters: PubMed 24656866; PubMed 25471517.

NM_005051.3(QARS1):c.352del (p.Thr118fs)

Gene: QARS1 (glutaminyl-tRNA synthetase 1; minus strand). Cytogenetic location: 3p21.31.
Variant type: Deletion.
Coding change: c.352del on transcript NM_005051.3 (MANE Select); coding-DNA position 352, one base deleted (A; older notation c.352delA).
Protein change: p.Thr118fs; shifts the reading frame from threonine 118.
Molecular consequence: frameshift variant. On other transcripts: non-coding transcript variant (1).
Genome position (GRCh38, 1-based): chr3:49,103,886, T deleted on the plus strand (A on the coding strand, the reverse complement: QARS1 is on the minus strand). VCF-style (leftmost placement, unchanged base first): chr3-49103885-GT-G. GRCh37 (hg19) VCF-style: chr3-49141318-GT-G.
Other names: c.319del, p.Thr107fs (NM_001272073.2); short protein forms T118fs, T107fs.
Identifiers: ClinVar variation 2089675 (VCV002089675.4), dbSNP rs2471863066, ClinGen allele CA2580070009.
Genomic context (GRCh38, chr3:49,103,885, plus strand): 5'-GGACTGGGGAGGCAGACGATGCCTGGGGAAAGACTCACAGCCTCCTCAATCTGCTCTGGG[GT>G]CACAATGACACCCACGCCACATTCCCGCTCGAAGTCCACAGTGTCGATGGGGTCCAAGGG-3'